The following is an entry in ClinVar:

NM_024426.6(WT1):c.1004A>G (p.Glu335Gly)

Gene: WT1 (WT1 transcription factor; minus strand). Cytogenetic location: 11p13.
Variant type: single nucleotide variant.
Coding change: c.1004A>G on transcript NM_024426.6 (MANE Select); coding-DNA position 1004, A replaced by G.
Protein change: p.Glu335Gly; replaces glutamic acid 335 with glycine.
Molecular consequence: missense variant. On other transcripts: non-coding transcript variant (1), intron variant (2).
Genome position (GRCh38, 1-based): chr11:32,416,502, T>C on the plus strand (A>G on the coding strand, the complement: WT1 is on the minus strand). VCF-style: chr11-32416502-T-C. GRCh37 (hg19) VCF-style: chr11-32438048-T-C.
Other names: c.353A>G, p.Glu118Gly (NM_001198551.2); c.1004A>G, p.Glu335Gly (NM_001407044.1, NM_001407046.1, NM_024424.5); c.881A>G, p.Glu294Gly (NM_001407047.1); c.242A>G, p.Glu81Gly (NM_001407051.1); c.965+1075A>G (NM_000378.6); c.314+1075A>G (NM_001198552.2); short protein forms E335G, E118G, E294G, E330G, E81G.
Identifiers: ClinVar variation 1499043 (VCV001499043.9), dbSNP rs2133032382, ClinGen allele CA379961705.
Genomic context (GRCh38, chr11:32,416,502, plus strand): 5'-AGCAAGGCCTACGCCATTTGCTTTGCCATCTCCGCATTGTCCACTCACTTGCTCTGCCCT[T>C]CTGTCCATTTCACTGAGCTGGAGCTCCCAGCAGCAACTCTAGAAAAGAAGAAGAGGTGGG-3'
Protein context (NP_077744.4, residues 325-345): AGSSSSVKWT[Glu335Gly]GQSNHSTGYE

ClinVar aggregate classification (germline): Uncertain significance (1 of 4 stars; one submission).

Conditions:
Frasier syndrome. Identifiers: Orphanet 347, MedGen C0950122, MeSH D052159, MONDO:0007635, OMIM 136680.
Drash syndrome (DDS). Also called: WILMS TUMOR AND PSEUDO- OR TRUE HERMAPHRODITISM; NEPHROPATHY, WILMS TUMOR, AND GENITAL ANOMALIES. Identifiers: Orphanet 220, MedGen C0950121, MONDO:0008682, OMIM 194080.
Wilms tumor 1 (WT1). Also called: Wilms tumor, somatic. Identifiers: Orphanet 654, MedGen CN033288, MONDO:0008679, OMIM 194070.
11p partial monosomy syndrome (WAGR). Also called: WAGR Complex; WAGR Spectrum Disorder; WAGR syndrome; CHROMOSOME 11p13 DELETION SYNDROME. Identifiers: Orphanet 893, MedGen C0206115, MONDO:0008681, OMIM 194072.

Submission:

Labcorp Genetics (formerly Invitae), Labcorp
Classification: Uncertain significance for Wilms tumor 1; Drash syndrome; 11p partial monosomy syndrome; Frasier syndrome. Last evaluated: 2020-11-13. Review status: criteria provided, single submitter. Criteria: Invitae Variant Classification Sherloc (09022015). Collection method: clinical testing. Allele origin: germline.
Comment: Algorithms developed to predict the effect of missense changes on protein structure and function are either unavailable or do not agree on the potential impact of this missense change (SIFT: "Tolerated"; PolyPhen-2: "Possibly Damaging"; Align-GVGD: "Class C0"). This variant has not been reported in the literature in individuals with WT1-related conditions. This variant is not present in population databases (ExAC no frequency). This sequence change replaces glutamic acid with glycine at codon 330 of the WT1 protein (p.Glu330Gly). The glutamic acid residue is moderately conserved and there is a moderate physicochemical difference between glutamic acid and glycine. In summary, the available evidence is currently insufficient to determine the role of this variant in disease. Therefore, it has been classified as a Variant of Uncertain Significance.